The following is an entry in ClinVar:

ClinVar aggregate classification (germline): Likely pathogenic (1 of 4 stars; one submission).

Conditions:
Epilepsy, familial temporal lobe, 1. Identifiers: Orphanet 101046, MedGen CN030884, MONDO:0700090, OMIM 600512.

Submission:

Department of Neurology, Zibo Changguo Hospital
Classification: Likely pathogenic for Epilepsy, familial temporal lobe, 1. Last evaluated: 2025-01-08. Review status: criteria provided, single submitter. Criteria: ACMG Guidelines, 2015. Collection method: clinical testing. Allele origin: paternal. Inheritance: Autosomal dominant inheritance. Affected: yes.
Comment: PVS1_Strong, PM2_Supporting

NM_005097.4(LGI1):c.749dup (p.Val251fs)

Gene: LGI1 (leucine rich glioma inactivated 1; plus strand). Cytogenetic location: 10q23.33.
Variant type: Duplication.
Coding change: c.749dup on transcript NM_005097.4 (MANE Select); coding-DNA position 749, one base duplicated (T; older notation c.749dupT).
Protein change: p.Val251fs; shifts the reading frame from valine 251.
Molecular consequence: frameshift variant. On other transcripts: non-coding transcript variant (1).
Genome position (GRCh38, 1-based): chr10:93,793,261, T duplicated. VCF-style (leftmost placement, unchanged base first): chr10-93793260-G-GT. GRCh37 (hg19) VCF-style: chr10-95553017-G-GT.
Other names: c.749dup, p.Val251fs (NM_001308275.2); c.605dup, p.Val203fs (NM_001308276.2); short protein forms V203fs, V251fs.
Identifiers: ClinVar variation 3770199 (VCV003770199.1).
Genomic context (GRCh38, chr10:93,793,260, plus strand): 5'-CAAGACCTGCCTTATCAATCATTGTCCATAGACACTTTTTCTTATTTGAATGATGAGTAT[G>GT]TAGTCATCGCTCAGCCTTTTACTGGAAAATGCATTTTCCTTGAATGGGACCATGTGGAAA-3'